The following is an entry in ClinVar:

NM_000297.4(PKD2):c.1948G>A (p.Glu650Lys)

Gene: PKD2 (polycystin 2, transient receptor potential cation channel; plus strand). Cytogenetic location: 4q22.1.
Variant type: single nucleotide variant.
Coding change: c.1948G>A on transcript NM_000297.4 (MANE Select); coding-DNA position 1948, G replaced by A.
Protein change: p.Glu650Lys; replaces glutamic acid 650 with lysine.
Molecular consequence: missense variant.
Genome position (GRCh38, 1-based): chr4:88,058,032, G>A. VCF-style: chr4-88058032-G-A. GRCh37 (hg19) VCF-style: chr4-88979184-G-A.
Other names: short protein forms E650K.
Identifiers: ClinVar variation 2413629 (VCV002413629.6), dbSNP rs142303714, ClinGen allele CA100877136.

ClinVar aggregate classification (germline): Uncertain significance (1 of 4 stars; one submission).

Conditions:
Autosomal dominant polycystic kidney disease. Identifiers: Orphanet 730, MedGen C0085413, MONDO:0004691.

Allele frequency attached by ClinVar (database versions not stated): TOPMed below 0.00001; ESP Exome Variant Server 0.00008.

Submission:

Labcorp Genetics (formerly Invitae), Labcorp
Classification: Uncertain significance for Autosomal dominant polycystic kidney disease. Last evaluated: 2025-06-12. Review status: criteria provided, single submitter. Criteria: Invitae Variant Classification Sherloc (09022015). Collection method: clinical testing. Allele origin: germline.
Comment: This sequence change replaces glutamic acid, which is acidic and polar, with lysine, which is basic and polar, at codon 650 of the PKD2 protein (p.Glu650Lys). This variant is not present in population databases (gnomAD no frequency). This variant has not been reported in the literature in individuals affected with PKD2-related conditions. ClinVar contains an entry for this variant (Variation ID: 2413629). Invitae Evidence Modeling of protein sequence and biophysical properties (such as structural, functional, and spatial information, amino acid conservation, physicochemical variation, residue mobility, and thermodynamic stability) indicates that this missense variant is expected to disrupt PKD2 protein function with a positive predictive value of 80%. In summary, the available evidence is currently insufficient to determine the role of this variant in disease. Therefore, it has been classified as a Variant of Uncertain Significance.